The following is an entry in ClinVar:

NM_003721.4(RFXANK):c.47C>T (p.Thr16Ile)

Gene: RFXANK (regulatory factor X associated ankyrin containing protein; plus strand). Cytogenetic location: 19p13.11.
Variant type: single nucleotide variant.
Coding change: c.47C>T on transcript NM_003721.4 (MANE Select); coding-DNA position 47, C replaced by T.
Protein change: p.Thr16Ile; replaces threonine 16 with isoleucine.
Molecular consequence: missense variant.
Genome position (GRCh38, 1-based): chr19:19,193,993, C>T. VCF-style: chr19-19193993-C-T. GRCh37 (hg19) VCF-style: chr19-19304802-C-T.
Other names: c.47C>T (NM_003721.2); c.47C>T, p.Thr16Ile (NM_001278727.2, NM_001278728.2, NM_001370233.1 and 6 more transcripts); short protein forms T16I.
Identifiers: ClinVar variation 1387673 (VCV001387673.6), dbSNP rs764499202, ClinGen allele CA404889493.

ClinVar aggregate classification (germline): Uncertain significance. Review status: criteria provided, multiple submitters, no conflicts (2 of 4 stars). 2 submissions from 2 submitters: Uncertain significance (2). Last evaluated 2024-05-15.

Conditions:
Inborn genetic diseases. Identifiers: MedGen C0950123, MeSH D030342.
MHC class II deficiency. Also called: BLS, TYPE II; Bare lymphocyte syndrome 2. Identifiers: Orphanet 572, MedGen C5447452, MONDO:0008855.

Allele frequency attached by ClinVar (database versions not stated): TOPMed below 0.00001.
gnomAD v4.1: 2 of 1,614,244 alleles (0.00012%); highest among the groups gnomAD compares: Non-Finnish European, 0.00017%; no homozygotes.

Submissions (2):

Ambry Genetics
Classification: Uncertain significance for Inborn genetic diseases. Last evaluated: 2024-05-15. Review status: criteria provided, single submitter. Criteria: Ambry Variant Classification Scheme 2023. Collection method: clinical testing. Allele origin: germline.

Labcorp Genetics (formerly Invitae), Labcorp
Classification: Uncertain significance for MHC class II deficiency. Last evaluated: 2021-09-01. Review status: criteria provided, single submitter. Criteria: Invitae Variant Classification Sherloc (09022015). Collection method: clinical testing. Allele origin: germline.
Comment: This sequence change replaces threonine with isoleucine at codon 16 of the RFXANK protein (p.Thr16Ile). The threonine residue is weakly conserved and there is a moderate physicochemical difference between threonine and isoleucine. This variant is not present in population databases (ExAC no frequency). This variant has not been reported in the literature in individuals affected with RFXANK-related conditions. Algorithms developed to predict the effect of missense changes on protein structure and function (SIFT, PolyPhen-2, Align-GVGD) all suggest that this variant is likely to be tolerated. In summary, the available evidence is currently insufficient to determine the role of this variant in disease. Therefore, it has been classified as a Variant of Uncertain Significance.